The following is an entry in ClinVar:

ClinVar aggregate classification (germline): Likely benign (0 of 4 stars; one submission).

Conditions:
SPEG-related disorder. Also called: SPEG-related condition.

Allele frequency attached by ClinVar (database versions not stated): gnomAD exomes below 0.00001.
gnomAD v4.1: 3 of 1,613,954 alleles (0.00019%); highest among the groups gnomAD compares: South Asian, 0.0022%; no homozygotes.

Submission:

PreventionGenetics, part of Exact Sciences
Classification: Likely benign for SPEG-related condition. Last evaluated: 2022-12-09. Review status: no assertion criteria provided. Collection method: clinical testing. Allele origin: germline.
Comment: This variant is classified as likely benign based on ACMG/AMP sequence variant interpretation guidelines (Richards et al. 2015 PMID: 25741868, with internal and published modifications).

NM_005876.5(SPEG):c.3438C>T (p.His1146=)

Gene: SPEG (striated muscle enriched protein kinase; plus strand). Cytogenetic location: 2q35.
Variant type: single nucleotide variant.
Coding change: c.3438C>T on transcript NM_005876.5 (MANE Select); coding-DNA position 3438, C replaced by T.
Protein change: p.His1146=; no amino-acid change (histidine 1146 retained).
Molecular consequence: synonymous variant.
Genome position (GRCh38, 1-based): chr2:219,468,995, C>T. VCF-style: chr2-219468995-C-T. GRCh37 (hg19) VCF-style: chr2-220333717-C-T.
Identifiers: ClinVar variation 3055860 (VCV003055860.2), dbSNP rs2545775972, ClinGen allele CA431429644.
Genomic context (GRCh38, chr2:219,468,995, plus strand): 5'-GGGCAGCGAGGACGAGGGGCTCTATGCGGTCAGTGCTGTTAACACCCATGGCCAGGCCCA[C>T]TGCTCAGCCCAGCTGTATGTAGAAGAGCCCCGGACAGCCGCCTCAGGCCCCAGGTACCAC-3'
Protein context (NP_005867.3, residues 1136-1156): VSAVNTHGQA[His1146=]CSAQLYVEEP